The following is an entry in ClinVar:

ClinVar aggregate classification (germline): Uncertain significance (1 of 4 stars; one submission).

Submission:

Ambry Genetics
Classification: Uncertain significance. Last evaluated: 2024-04-26. Review status: criteria provided, single submitter. Criteria: Ambry Variant Classification Scheme 2023. Collection method: clinical testing. Allele origin: germline.
Comment: The p.V410M variant (also known as c.1228G>A), located in coding exon 5 of the EGLN1 gene, results from a G to A substitution at nucleotide position 1228. The valine at codon 410 is replaced by methionine, an amino acid with highly similar properties. This amino acid position is conserved. In addition, the in silico prediction for this alteration is inconclusive. Since supporting evidence is limited at this time, the clinical significance of this alteration remains unclear.

NM_022051.3(EGLN1):c.1228G>A (p.Val410Met)

Gene: EGLN1 (egl-9 family hypoxia inducible factor 1; minus strand). Cytogenetic location: 1q42.2.
Variant type: single nucleotide variant.
Coding change: c.1228G>A on transcript NM_022051.3 (MANE Select); coding-DNA position 1228, G replaced by A.
Protein change: p.Val410Met; replaces valine 410 with methionine.
Molecular consequence: missense variant. On other transcripts: 3 prime UTR variant (2).
Genome position (GRCh38, 1-based): chr1:231,366,464, C>T on the plus strand (G>A on the coding strand, the complement: EGLN1 is on the minus strand). VCF-style: chr1-231366464-C-T. GRCh37 (hg19) VCF-style: chr1-231502210-C-T.
Other names: c.*8G>A (NM_001377260.1); c.*53G>A (NM_001377261.1); short protein forms V410M.
Identifiers: ClinVar variation 1754845 (VCV001754845.3), dbSNP rs137949094, ClinGen allele CA345238487.